The following is an entry in ClinVar:

ClinVar aggregate classification (germline): Likely benign. Review status: criteria provided, multiple submitters, no conflicts (2 of 4 stars). 2 submissions from 2 submitters: Likely benign (2). Last evaluated 2024-11-21.

Conditions:
Kleefstra syndrome 1 (KLEFS1). Identifiers: Orphanet 261494, MedGen C0795833, MONDO:0027407, OMIM 610253.

Allele frequency attached by ClinVar (database versions not stated): gnomAD 0.00001; ExAC 0.00002; gnomAD exomes 0.00002 and 0.00003; TOPMed 0.00003; ESP Exome Variant Server 0.00023.
gnomAD v4.1: 22 of 1,613,806 alleles (0.0014%); highest among the groups gnomAD compares: Non-Finnish European, 0.0016%; no homozygotes.

Submissions (2):

Labcorp Genetics (formerly Invitae), Labcorp
Classification: Likely benign for Kleefstra syndrome 1. Last evaluated: 2024-11-21. Review status: criteria provided, single submitter. Criteria: Invitae Variant Classification Sherloc (09022015). Collection method: clinical testing. Allele origin: germline.

CeGaT Center for Human Genetics Tuebingen
Classification: Likely benign. Last evaluated: 2022-08-01. Review status: criteria provided, single submitter. Criteria: CeGaT Center For Human Genetics Tuebingen Variant Classification Criteria Version 2. Collection method: clinical testing. Allele origin: germline. Affected: yes. Observed: 1 variant allele.
Comment: EHMT1: BP4, BP7

NM_024757.5(EHMT1):c.1050G>A (p.Glu350=)

Gene: EHMT1 (euchromatic histone lysine methyltransferase 1; plus strand). Cytogenetic location: 9q34.3.
Variant type: single nucleotide variant.
Coding change: c.1050G>A on transcript NM_024757.5 (MANE Select); coding-DNA position 1050, G replaced by A.
Protein change: p.Glu350=; no amino-acid change (glutamic acid 350 retained).
Molecular consequence: synonymous variant.
Genome position (GRCh38, 1-based): chr9:137,743,970, G>A. VCF-style: chr9-137743970-G-A. GRCh37 (hg19) VCF-style: chr9-140638422-G-A.
Other names: c.1050G>A, p.Glu350= (NM_001145527.2, NM_001354611.2); c.957G>A, p.Glu319= (NM_001354259.2, NM_001354612.2); c.1029G>A, p.Glu343= (NM_001354263.2).
Identifiers: ClinVar variation 1118507 (VCV001118507.38), dbSNP rs149871742, ClinGen allele CA5374487.
Genomic context (GRCh38, chr9:137,743,970, plus strand): 5'-GGACCTGGGCGCCAGCAGCCTGCACGTGAATGGGGAGAGCCTGGAGATGGACTCGGATGA[G>A]GACGACTCAGAGGAGCTCGAGGAGGACGACGGCCATGGTGCAGAGCAGGCGGCCGCGTTC-3'
Protein context (NP_079033.4, residues 340-360): NGESLEMDSD[Glu350=]DDSEELEEDD